The following is an entry in ClinVar:

ClinVar aggregate classification (germline): Uncertain significance (1 of 4 stars; one submission).

Submission:

Ambry Genetics
Classification: Uncertain significance. Last evaluated: 2024-03-16. Review status: criteria provided, single submitter. Criteria: Ambry Variant Classification Scheme 2023. Collection method: clinical testing. Allele origin: germline.
Comment: The p.A236V variant (also known as c.707C>T), located in coding exon 5 of the CTNNA3 gene, results from a C to T substitution at nucleotide position 707. The alanine at codon 236 is replaced by valine, an amino acid with similar properties. This amino acid position is conserved. In addition, this alteration is predicted to be tolerated by in silico analysis. Based on the available evidence, the clinical significance of this alteration remains unclear.

NM_013266.4(CTNNA3):c.707C>T (p.Ala236Val)

Gene: CTNNA3 (catenin alpha 3; minus strand). Cytogenetic location: 10q21.3.
Variant type: single nucleotide variant.
Coding change: c.707C>T on transcript NM_013266.4 (MANE Select); coding-DNA position 707, C replaced by T.
Protein change: p.Ala236Val; replaces alanine 236 with valine.
Molecular consequence: missense variant.
Genome position (GRCh38, 1-based): chr10:67,219,743, G>A on the plus strand (C>T on the coding strand, the complement: CTNNA3 is on the minus strand). VCF-style: chr10-67219743-G-A. GRCh37 (hg19) VCF-style: chr10-68979501-G-A.
Other names: c.707C>T, p.Ala236Val (NM_001127384.3); c.743C>T, p.Ala248Val (NM_001291133.2); short protein forms A248V, A236V.
Identifiers: ClinVar variation 3270117 (VCV003270117.1).